The following is an entry in ClinVar:

ClinVar aggregate classification (germline): Pathogenic/Likely pathogenic. Review status: criteria provided, multiple submitters, no conflicts (2 of 4 stars). 2 submissions from 2 submitters: Pathogenic (1); Likely pathogenic (1). Last evaluated 2026-02-14.

Conditions:
Peroxisome biogenesis disorder. Identifiers: Orphanet 79189, MedGen C1832200, MONDO:0019234. Disease mechanism: loss of function.
Zellweger spectrum disorders (ZS). Also called: Zellweger Spectrum Disorder; Zellweger Spectrum; Zellweger syndrome; Zellweger Spectrum Disorder (ZSD). Identifiers: Orphanet 912, MedGen C0043459, MONDO:0019609.

Submissions (2):

Myriad Genetics, Inc.
Classification: Pathogenic for Peroxisome biogenesis disorder. Last evaluated: 2026-02-14. Review status: criteria provided, single submitter. Criteria: Myriad Autosomal Dominant, Autosomal Recessive and X-Linked Classification Criteria (2023). Collection method: clinical testing. Allele origin: unknown.
Comment: NM_000287.3(PEX6):c.1409_1410delGCinsA(G470Dfs*10) is expected to be pathogenic in the context of peroxisome biogenesis disorder type 4. This variant is predicted to lead to an abnormal or absent protein product due to the creation of a premature termination codon in PEX6, a gene where loss-of-function variants are known to be pathogenic. Please note: this variant was assessed in the context of healthy population screening.

Natera, Inc.
Classification: Likely pathogenic for Zellweger syndrome. Last evaluated: 2025-01-17. Review status: criteria provided, single submitter. Criteria: Natera Variant Classification Schema (03/2026). Collection method: clinical testing. Allele origin: germline.
Comment: The c.1409_1410delinsA variant in PEX6 is a frameshift variant predicted to shift the reading frame beginning at codon 470 and leads to a stop codon 10 codons downstream. This variant is expected to result in nonsense mediated decay, truncation, or a dysfunctional protein product. This variant is rare in the general population with a frequency below the threshold expected for the associated phenotype(s). Given the available evidence, this variant is classified as Likely Pathogenic.

NM_000287.4(PEX6):c.1409_1410delinsA (p.Gly470fs)

Gene: PEX6 (peroxisomal biogenesis factor 6; minus strand). Cytogenetic location: 6p21.1.
Variant type: Indel.
Coding change: c.1409_1410delinsA on transcript NM_000287.4 (MANE Select); coding-DNA positions 1409 to 1410, GC replaced by A.
Protein change: p.Gly470fs; shifts the reading frame from glycine 470.
Molecular consequence: frameshift variant. On other transcripts: non-coding transcript variant (1).
Genome position (GRCh38, 1-based): chr6:42,968,943-42,968,944, GC replaced by T on the plus strand (GC replaced by A on the coding strand, the reverse complement: PEX6 is on the minus strand). VCF-style: chr6-42968943-GC-T. GRCh37 (hg19) VCF-style: chr6-42936681-GC-T.
Other names: c.1145_1146delinsA, p.Gly382fs (NM_001316313.2); short protein forms G382fs, G470fs.
Identifiers: ClinVar variation 4818110 (VCV004818110.2).
Genomic context (GRCh38, chr6:42,968,943, plus strand): 5'-GTGGAGCCCAAGGTGACTACAGGCAGCAGCAACTACTGTGGTCTTCCCACAGCCTGGGGG[GC>T]CCCGTAGAAGGACACTGCTAGTTCCTGTCAGCAGGGCACCCCTGCAACCAGAGAACAGAC-3'